The following is an entry in ClinVar:

NM_001130144.3(LTBP3):c.1986C>G (p.Asn662Lys)

Gene: LTBP3 (latent transforming growth factor beta binding protein 3; minus strand). Cytogenetic location: 11q13.1.
Variant type: single nucleotide variant.
Coding change: c.1986C>G on transcript NM_001130144.3 (MANE Select); coding-DNA position 1986, C replaced by G.
Protein change: p.Asn662Lys; replaces asparagine 662 with lysine.
Molecular consequence: missense variant.
Genome position (GRCh38, 1-based): chr11:65,547,560, G>C on the plus strand (C>G on the coding strand, the complement: LTBP3 is on the minus strand). VCF-style: chr11-65547560-G-C. GRCh37 (hg19) VCF-style: chr11-65315031-G-C.
Other names: c.1635C>G, p.Asn545Lys (NM_001164266.1); c.1986C>G, p.Asn662Lys (NM_021070.4); short protein forms N662K, N545K.
Identifiers: ClinVar variation 3641898 (VCV003641898.2).
Genomic context (GRCh38, chr11:65,547,560, plus strand): 5'-GTGACCGGGAAAGTTGATGCAGAAGCCGCCGTCGCCGCACAGGTGGGGCTTGGCGCATTC[G>C]TTCAGGTCTGTGCGGGAGGAAGGGGCCACGAAGGGGGTGTAGGAGGCGGCGGGCAAGGGG-3'
Protein context (NP_001123616.1, residues 652-672): GAGGRSCVDL[Asn662Lys]ECAKPHLCGD

ClinVar aggregate classification (germline): Uncertain significance (1 of 4 stars; one submission).

Conditions:
Brachyolmia-amelogenesis imperfecta syndrome. Also called: PLATYSPONDYLY WITH AMELOGENESIS IMPERFECTA; Tooth agenesis, selective, 6; Dental anomalies and short stature. Identifiers: Orphanet 2899, MedGen C1832594, MONDO:0011018, OMIM 601216. Disease mechanism: loss of function.

Submission:

Labcorp Genetics (formerly Invitae), Labcorp
Classification: Uncertain significance for Brachyolmia-amelogenesis imperfecta syndrome. Last evaluated: 2024-02-18. Review status: criteria provided, single submitter. Criteria: Invitae Variant Classification Sherloc (09022015). Collection method: clinical testing. Allele origin: germline.
Comment: This sequence change replaces asparagine, which is neutral and polar, with lysine, which is basic and polar, at codon 662 of the LTBP3 protein (p.Asn662Lys). This variant is not present in population databases (gnomAD no frequency). This variant has not been reported in the literature in individuals affected with LTBP3-related conditions. An algorithm developed to predict the effect of missense changes on protein structure and function (PolyPhen-2) suggests that this variant is likely to be tolerated. In summary, the available evidence is currently insufficient to determine the role of this variant in disease. Therefore, it has been classified as a Variant of Uncertain Significance.